The following is an entry in ClinVar:

NM_001134363.3(RBM20):c.853C>A (p.Pro285Thr)

Gene: RBM20 (RNA binding motif protein 20; plus strand). Cytogenetic location: 10q25.2.
Variant type: single nucleotide variant.
Coding change: c.853C>A on transcript NM_001134363.3 (MANE Select); coding-DNA position 853, C replaced by A.
Protein change: p.Pro285Thr; replaces proline 285 with threonine.
Molecular consequence: missense variant.
Genome position (GRCh38, 1-based): chr10:110,781,462, C>A. VCF-style: chr10-110781462-C-A. GRCh37 (hg19) VCF-style: chr10-112541220-C-A.
Other names: short protein forms P285T.
Identifiers: ClinVar variation 2988579 (VCV002988579.3), dbSNP rs2493412069, ClinGen allele CA378383890.
Genomic context (GRCh38, chr10:110,781,462, plus strand): 5'-GGGCACTACAGCCACACAGGGCAGGATGGTCAAGCTGCCTTTTCCAAAGATTTTTACGGA[C>A]CCAACTCCCAAGGTTCACATGTGGCCAGCGGATTTCCAGCTGAGCAGGCTGGGGGCCTGA-3'
Protein context (NP_001127835.2, residues 275-295): QAAFSKDFYG[Pro285Thr]NSQGSHVASG

ClinVar aggregate classification (germline): Uncertain significance (1 of 4 stars; one submission).

Conditions:
Dilated cardiomyopathy 1DD (CMD1DD). Identifiers: Orphanet 154, MedGen C2750995, MONDO:0013168, OMIM 613172.

Allele frequency attached by ClinVar (database versions not stated): gnomAD exomes below 0.00001.
gnomAD v4.1: 1 of 1,551,522 alleles (0.000064%); highest among the groups gnomAD compares: Non-Finnish European, 0.000087%; no homozygotes.

Submission:

Labcorp Genetics (formerly Invitae), Labcorp
Classification: Uncertain significance for Dilated cardiomyopathy 1DD. Last evaluated: 2023-12-01. Review status: criteria provided, single submitter. Criteria: Invitae Variant Classification Sherloc (09022015). Collection method: clinical testing. Allele origin: germline.
Comment: This sequence change replaces proline, which is neutral and non-polar, with threonine, which is neutral and polar, at codon 285 of the RBM20 protein (p.Pro285Thr). This variant is not present in population databases (gnomAD no frequency). This variant has not been reported in the literature in individuals affected with RBM20-related conditions. Advanced modeling of protein sequence and biophysical properties (such as structural, functional, and spatial information, amino acid conservation, physicochemical variation, residue mobility, and thermodynamic stability) performed at Invitae indicates that this missense variant is not expected to disrupt RBM20 protein function with a negative predictive value of 95%. In summary, the available evidence is currently insufficient to determine the role of this variant in disease. Therefore, it has been classified as a Variant of Uncertain Significance.